The following is an entry in ClinVar:

ClinVar aggregate classification (germline): Likely benign (1 of 4 stars; one submission).

Allele frequency attached by ClinVar (database versions not stated): ESP Exome Variant Server 0.00008.
gnomAD v4.1: 3 of 1,614,206 alleles (0.00019%); highest among the groups gnomAD compares: African/African-American, 0.0013%; no homozygotes.

Submission:

CeGaT Center for Human Genetics Tuebingen
Classification: Likely benign. Last evaluated: 2024-01-01. Review status: criteria provided, single submitter. Criteria: CeGaT Center For Human Genetics Tuebingen Variant Classification Criteria Version 2. Collection method: clinical testing. Allele origin: germline. Affected: yes. Observed: 1 variant allele.
Comment: LRP5: BP4

NM_002335.4(LRP5):c.3091A>G (p.Ile1031Val)

Gene: LRP5 (LDL receptor related protein 5; plus strand). Cytogenetic location: 11q13.2.
Variant type: single nucleotide variant.
Coding change: c.3091A>G on transcript NM_002335.4 (MANE Select); coding-DNA position 3091, A replaced by G.
Protein change: p.Ile1031Val; replaces isoleucine 1031 with valine.
Molecular consequence: missense variant.
Genome position (GRCh38, 1-based): chr11:68,423,552, A>G. VCF-style: chr11-68423552-A-G. GRCh37 (hg19) VCF-style: chr11-68191020-A-G.
Other names: c.1348A>G, p.Ile450Val (NM_001291902.2); short protein forms I1031V, I450V.
Identifiers: ClinVar variation 3026927 (VCV003026927.22), dbSNP rs377410080, ClinGen allele CA6149845.